The following is an entry in ClinVar:

NM_031263.4(HNRNPK):c.214-55T>A

Genes: HNRNPK (heterogeneous nuclear ribonucleoprotein K; minus strand), HNRNPK-AS1 (HNRNPK antisense RNA 1; plus strand). Cytogenetic location: 9q21.32.
Variant type: single nucleotide variant.
Coding change: c.214-55T>A on transcript NM_031263.4 (MANE Select); 55 bases into the intron before coding-DNA position 214, T replaced by A.
Molecular consequence: intron variant.
Genome position (GRCh38, 1-based): chr9:83,975,560, A>T on the plus strand (T>A on the coding strand, the complement: HNRNPK is on the minus strand). VCF-style: chr9-83975560-A-T. GRCh37 (hg19) VCF-style: chr9-86590475-A-T.
Other names: c.214-55T>A (NM_031262.4, NM_002140.5, NM_001318186.2 and 2 more transcripts).
Identifiers: ClinVar variation 2576028 (VCV002576028.2), dbSNP rs2492005759, ClinGen allele CA465716027.

ClinVar aggregate classification (germline): Uncertain significance (1 of 4 stars; one submission).

Conditions:
Au-Kline syndrome. Also called: Neurodevelopmental disorder-craniofacial dysmorphism-cardiac defect-hip dysplasia syndrome due to a point mutation; Okamoto syndrome. Identifiers: Orphanet 2729, Orphanet 453499, Orphanet 453504, MedGen C4225274, MONDO:0014700, OMIM 616580.

Submission:

Institute for Clinical Genetics, University Hospital TU Dresden, University Hospital TU Dresden
Classification: Uncertain significance for Au-Kline syndrome. Last evaluated: 2022-08-25. Review status: criteria provided, single submitter. Criteria: ACMG Guidelines, 2015. Collection method: clinical testing. Allele origin: de novo. Affected: yes.
Comment: PM2_SUP, PS2, PS3, PP4